The following is an entry in ClinVar:

ClinVar aggregate classification (germline): Uncertain significance (1 of 4 stars; one submission).

Conditions:
IFT172-related disorder. Also called: IFT172-related disorders; IFT172-related condition.

gnomAD v4.1: 2 of 1,614,038 alleles (0.00012%); highest among the groups gnomAD compares: Non-Finnish European, 0.00017%; no homozygotes.

Submission:

PreventionGenetics, part of Exact Sciences
Classification: Uncertain significance for IFT172-related condition. Last evaluated: 2026-08-24. Review status: criteria provided, single submitter. Criteria: ACMG Guidelines, 2015. Collection method: clinical testing. Allele origin: germline.
Comment: The IFT172 c.2024G>A variant is predicted to result in the amino acid substitution p.Gly675Asp. To our knowledge, this variant has not been reported in the literature. This variant is reported in 0.00088% of alleles in individuals of European (Non-Finnish) descent in gnomAD. At this time, the clinical significance of this variant is uncertain due to the absence of conclusive functional and genetic evidence.

NM_015662.3(IFT172):c.2024G>A (p.Gly675Asp)

Gene: IFT172 (intraflagellar transport 172; minus strand). Cytogenetic location: 2p23.3.
Variant type: single nucleotide variant.
Coding change: c.2024G>A on transcript NM_015662.3 (MANE Select); coding-DNA position 2024, G replaced by A.
Protein change: p.Gly675Asp; replaces glycine 675 with aspartic acid.
Molecular consequence: missense variant.
Genome position (GRCh38, 1-based): chr2:27,462,792, C>T on the plus strand (G>A on the coding strand, the complement: IFT172 is on the minus strand). VCF-style: chr2-27462792-C-T. GRCh37 (hg19) VCF-style: chr2-27685659-C-T.
Other names: c.1958G>A, p.Gly653Asp (NM_001410739.1); short protein forms G653D, G675D.
Identifiers: ClinVar variation 4988716 (VCV004988716.1).